The following is an entry in ClinVar:

ClinVar aggregate classification (germline): Uncertain significance (1 of 4 stars; one submission).

gnomAD v4.1: 1 of 1,544,400 alleles (0.000065%); highest among the groups gnomAD compares: Non-Finnish European, 0.000088%; no homozygotes.

Submission:

Labcorp Genetics (formerly Invitae), Labcorp
Classification: Uncertain significance. Last evaluated: 2022-05-21. Review status: criteria provided, single submitter. Criteria: Invitae Variant Classification Sherloc (09022015). Collection method: clinical testing. Allele origin: germline.
Comment: In summary, the available evidence is currently insufficient to determine the role of this variant in disease. Therefore, it has been classified as a Variant of Uncertain Significance. Algorithms developed to predict the effect of missense changes on protein structure and function (SIFT, PolyPhen-2, Align-GVGD) all suggest that this variant is likely to be disruptive. This variant has not been reported in the literature in individuals affected with TET2-related conditions. This variant is not present in population databases (gnomAD no frequency). This sequence change replaces tyrosine, which is neutral and polar, with serine, which is neutral and polar, at codon 1345 of the TET2 protein (p.Tyr1345Ser).

NM_001127208.3(TET2):c.4034A>C (p.Tyr1345Ser)

Genes: TET2 (tet methylcytosine dioxygenase 2; plus strand), TET2-AS1 (TET2 antisense RNA 1; minus strand). Cytogenetic location: 4q24.
Variant type: single nucleotide variant.
Coding change: c.4034A>C on transcript NM_001127208.3 (MANE Select); coding-DNA position 4034, A replaced by C.
Protein change: p.Tyr1345Ser; replaces tyrosine 1345 with serine.
Molecular consequence: missense variant.
Genome position (GRCh38, 1-based): chr4:105,261,838, A>C. VCF-style: chr4-105261838-A-C. GRCh37 (hg19) VCF-style: chr4-106182995-A-C.
Other names: short protein forms Y1345S.
Identifiers: ClinVar variation 1997338 (VCV001997338.4), dbSNP rs2476639797, ClinGen allele CA357808228.